The following is an entry in ClinVar:

ClinVar aggregate classification (germline): Uncertain significance. Review status: criteria provided, multiple submitters, no conflicts (2 of 4 stars). 2 submissions from 2 submitters: Uncertain significance (2). Last evaluated 2026-02-20.

Conditions:
Inborn genetic diseases. Identifiers: MedGen C0950123, MeSH D030342.

gnomAD v4.1: 14 of 1,612,222 alleles (0.00087%); highest among the groups gnomAD compares: South Asian, 0.0011%; no homozygotes.

Submissions (2):

GeneDx
Classification: Uncertain significance. Last evaluated: 2026-02-20. Review status: criteria provided, single submitter. Criteria: GeneDx Variant Classification Process June 2021. Collection method: clinical testing. Allele origin: germline.
Comment: Not observed at significant frequency in large population cohorts (gnomAD); In silico analysis supports that this missense variant has a deleterious effect on protein structure/function; Has not been previously published as pathogenic or benign to our knowledge

Ambry Genetics
Classification: Uncertain significance for Inborn genetic diseases. Last evaluated: 2025-01-03. Review status: criteria provided, single submitter. Criteria: Ambry Variant Classification Scheme 2023. Collection method: clinical testing. Allele origin: germline.

NM_014363.6(SACS):c.9530A>G (p.Tyr3177Cys)

Gene: SACS (sacsin molecular chaperone; minus strand). Cytogenetic location: 13q12.12.
Variant type: single nucleotide variant.
Coding change: c.9530A>G on transcript NM_014363.6 (MANE Select); coding-DNA position 9530, A replaced by G.
Protein change: p.Tyr3177Cys; replaces tyrosine 3177 with cysteine.
Molecular consequence: missense variant.
Genome position (GRCh38, 1-based): chr13:23,334,346, T>C on the plus strand (A>G on the coding strand, the complement: SACS is on the minus strand). VCF-style: chr13-23334346-T-C. GRCh37 (hg19) VCF-style: chr13-23908485-T-C.
Other names: c.9089A>G, p.Tyr3030Cys (NM_001278055.2); short protein forms Y3030C, Y3177C.
Identifiers: ClinVar variation 3791745 (VCV003791745.2).